The following is an entry in ClinVar:

NM_006947.4(SRP72):c.1265T>G (p.Ile422Ser)

Gene: SRP72 (signal recognition particle 72; plus strand). Cytogenetic location: 4q12.
Variant type: single nucleotide variant.
Coding change: c.1265T>G on transcript NM_006947.4 (MANE Select); coding-DNA position 1265, T replaced by G.
Protein change: p.Ile422Ser; replaces isoleucine 422 with serine.
Molecular consequence: missense variant. On other transcripts: non-coding transcript variant (1).
Genome position (GRCh38, 1-based): chr4:56,489,428, T>G. VCF-style: chr4-56489428-T-G. GRCh37 (hg19) VCF-style: chr4-57355594-T-G.
Other names: c.1082T>G, p.Ile361Ser (NM_001267722.2); short protein forms I422S, I361S.
Identifiers: ClinVar variation 5030248 (VCV005030248.1).

ClinVar aggregate classification (germline): Uncertain significance (1 of 4 stars; one submission).

Submission:

Ambry Genetics
Classification: Uncertain significance. Last evaluated: 2026-08-15. Review status: criteria provided, single submitter. Criteria: Ambry Variant Classification Scheme 2023. Collection method: clinical testing. Allele origin: germline.
Comment: The p.I422S variant (also known as c.1265T>G), located in coding exon 13 of the SRP72 gene, results from a T to G substitution at nucleotide position 1265. The isoleucine at codon 422 is replaced by serine, an amino acid with dissimilar properties. This amino acid position is conserved. In addition, this alteration is predicted to be deleterious by in silico analysis. Based on the available evidence, the clinical significance of this variant remains unclear.